The following is an entry in ClinVar:

ClinVar aggregate classification (germline): Uncertain significance (1 of 4 stars; one submission).

Conditions:
Duchenne muscular dystrophy (DMD). Also called: MUSCULAR DYSTROPHY, PSEUDOHYPERTROPHIC PROGRESSIVE, DUCHENNE TYPE; Duchenne Muscular Dystrophy (DMD). Identifiers: Orphanet 98896, MedGen C0013264, MONDO:0010679, OMIM 310200.

Submission:

Labcorp Genetics (formerly Invitae), Labcorp
Classification: Uncertain significance for Duchenne muscular dystrophy. Last evaluated: 2023-03-04. Review status: criteria provided, single submitter. Criteria: Invitae Variant Classification Sherloc (09022015). Collection method: clinical testing. Allele origin: germline.
Comment: In summary, the available evidence is currently insufficient to determine the role of this variant in disease. Therefore, it has been classified as a Variant of Uncertain Significance. Advanced modeling of protein sequence and biophysical properties (such as structural, functional, and spatial information, amino acid conservation, physicochemical variation, residue mobility, and thermodynamic stability) performed at Invitae indicates that this missense variant is not expected to disrupt DMD protein function. ClinVar contains an entry for this variant (Variation ID: 1351248). This variant has not been reported in the literature in individuals affected with DMD-related conditions. This variant is not present in population databases (gnomAD no frequency). This sequence change replaces valine, which is neutral and non-polar, with isoleucine, which is neutral and non-polar, at codon 2978 of the DMD protein (p.Val2978Ile).

NM_004006.3(DMD):c.8932G>A (p.Val2978Ile)

Gene: DMD (dystrophin; minus strand). Cytogenetic location: Xp21.2.
Variant type: single nucleotide variant.
Coding change: c.8932G>A on transcript NM_004006.3 (MANE Select); coding-DNA position 8932, G replaced by A.
Protein change: p.Val2978Ile; replaces valine 2978 with isoleucine.
Molecular consequence: missense variant.
Genome position (GRCh38, 1-based): chrX:31,478,111, C>T on the plus strand (G>A on the coding strand, the complement: DMD is on the minus strand). VCF-style: chrX-31478111-C-T. GRCh37 (hg19) VCF-style: chrX-31496228-C-T.
Other names: c.8908G>A, p.Val2970Ile (NM_000109.4); c.8920G>A, p.Val2974Ile (NM_004009.3); c.8563G>A, p.Val2855Ile (NM_004010.3); c.4909G>A, p.Val1637Ile (NM_004011.4); c.4900G>A, p.Val1634Ile (NM_004012.4); c.1552G>A, p.Val518Ile (NM_004013.3, NM_004020.4, NM_004021.3 and 2 more transcripts); c.745G>A, p.Val249Ile (NM_004014.3); short protein forms V1637I, V2978I, V249I, V1634I, V518I, V2855I, V2970I, V2974I.
Identifiers: ClinVar variation 1351248 (VCV001351248.8), dbSNP rs2149252455, ClinGen allele CA412653844.
Genomic context (GRCh38, chrX:31,478,111, plus strand): 5'-TTAGAAGCTCTTTTGAGTCTCTCAAAGGGCCCTGAAGCAAAGAAGTAGACGGTACCTTGA[C>T]TTTCTCGAGGTGATCTTGGAGAGAGTCAATGAGGAGATCGCCCACGGGCTGCCAGGATCC-3'
Protein context (NP_003997.2, residues 2968-2988): IDSLQDHLEK[Val2978Ile]KALRGEIAPL